The following is an entry in ClinVar:

NM_000717.5(CA4):c.593C>T (p.Thr198Met)

Gene: CA4 (carbonic anhydrase 4; plus strand). Cytogenetic location: 17q23.1.
Variant type: single nucleotide variant.
Coding change: c.593C>T on transcript NM_000717.5 (MANE Select); coding-DNA position 593, C replaced by T.
Protein change: p.Thr198Met; replaces threonine 198 with methionine.
Molecular consequence: missense variant. On other transcripts: non-coding transcript variant (1).
Genome position (GRCh38, 1-based): chr17:60,158,295, C>T. VCF-style: chr17-60158295-C-T. GRCh37 (hg19) VCF-style: chr17-58235656-C-T.
Other names: short protein forms T198M.
Identifiers: ClinVar variation 834141 (VCV000834141.9), dbSNP rs766830149, ClinGen allele CA8685463.

ClinVar aggregate classification (germline): Uncertain significance (1 of 4 stars; one submission).

Allele frequency attached by ClinVar (database versions not stated): gnomAD exomes 0.00001 and 0.00002; ExAC 0.00003; gnomAD 0.00005; TOPMed 0.00007.
gnomAD v4.1: 12 of 1,614,116 alleles (0.00074%); highest among the groups gnomAD compares: African/African-American, 0.011%; no homozygotes.

Submission:

Labcorp Genetics (formerly Invitae), Labcorp
Classification: Uncertain significance. Last evaluated: 2025-04-28. Review status: criteria provided, single submitter. Criteria: Invitae Variant Classification Sherloc (09022015). Collection method: clinical testing. Allele origin: germline.
Comment: This sequence change replaces threonine, which is neutral and polar, with methionine, which is neutral and non-polar, at codon 198 of the CA4 protein (p.Thr198Met). This variant is present in population databases (rs766830149, gnomAD 0.02%). This missense change has been observed in individual(s) with retinitis pigmentosa (PMID: 16799052). ClinVar contains an entry for this variant (Variation ID: 834141). Invitae Evidence Modeling of protein sequence and biophysical properties (such as structural, functional, and spatial information, amino acid conservation, physicochemical variation, residue mobility, and thermodynamic stability) indicates that this missense variant is not expected to disrupt CA4 protein function with a negative predictive value of 80%. In summary, the available evidence is currently insufficient to determine the role of this variant in disease. Therefore, it has been classified as a Variant of Uncertain Significance.

Literature cited by the submitters: PubMed 16799052.